The following is an entry in ClinVar:

NM_001387025.1(GRAMD1B):c.2556G>A (p.Ser852=)

Gene: GRAMD1B (GRAM domain containing 1B; plus strand). Cytogenetic location: 11q24.1.
Variant type: single nucleotide variant.
Coding change: c.2556G>A on transcript NM_001387025.1 (MANE Select); coding-DNA position 2556, G replaced by A.
Protein change: p.Ser852=; no amino-acid change (serine 852 retained).
Molecular consequence: synonymous variant.
Genome position (GRCh38, 1-based): chr11:123,622,517, G>A. VCF-style: chr11-123622517-G-A. GRCh37 (hg19) VCF-style: chr11-123493225-G-A.
Other names: c.2160G>A, p.Ser720= (NM_001286563.3); c.2019G>A, p.Ser673= (NM_001286564.3, NM_001387032.1, NM_001387033.1); c.2007G>A, p.Ser669= (NM_001330396.3, NM_001387034.1, NM_001387035.1); c.2208G>A, p.Ser736= (NM_001367418.2); c.2220G>A, p.Ser740= (NM_001367419.2); c.2292G>A, p.Ser764= (NM_001367420.2); c.2424G>A, p.Ser808= (NM_001367421.2); c.2628G>A, p.Ser876= (NM_001387024.1); and 4 more.
Identifiers: ClinVar variation 3041103 (VCV003041103.2), dbSNP rs146845869, ClinGen allele CA6333928.

ClinVar aggregate classification (germline): Likely benign (0 of 4 stars; one submission).

Conditions:
GRAMD1B-related disorder. Also called: GRAMD1B-related condition.

Allele frequency attached by ClinVar (database versions not stated): ESP Exome Variant Server 0.00008; 1000 Genomes Project 30x 0.00016; 1000 Genomes Project 0.00020; gnomAD 0.00027; TOPMed 0.00031; ExAC 0.00070.
gnomAD v4.1: 359 of 1,553,526 alleles (0.023%); highest among the groups gnomAD compares: Middle Eastern, 0.63%; no homozygotes.

Submission:

PreventionGenetics, part of Exact Sciences
Classification: Likely benign for GRAMD1B-related condition. Last evaluated: 2019-10-28. Review status: no assertion criteria provided. Collection method: clinical testing. Allele origin: germline.
Comment: This variant is classified as likely benign based on ACMG/AMP sequence variant interpretation guidelines (Richards et al. 2015 PMID: 25741868, with internal and published modifications).